The following is an entry in ClinVar:

NM_004370.6(COL12A1):c.8903C>T (p.Pro2968Leu)

Gene: COL12A1 (collagen type XII alpha 1 chain; minus strand). Cytogenetic location: 6q13.
Variant type: single nucleotide variant.
Coding change: c.8903C>T on transcript NM_004370.6 (MANE Select); coding-DNA position 8903, C replaced by T.
Protein change: p.Pro2968Leu; replaces proline 2968 with leucine.
Molecular consequence: missense variant.
Genome position (GRCh38, 1-based): chr6:75,090,148, G>A on the plus strand (C>T on the coding strand, the complement: COL12A1 is on the minus strand). VCF-style: chr6-75090148-G-A. GRCh37 (hg19) VCF-style: chr6-75799864-G-A.
Other names: c.5411C>T, p.Pro1804Leu (NM_080645.3); short protein forms P1804L, P2968L.
Identifiers: ClinVar variation 950748 (VCV000950748.10), dbSNP rs771010070, ClinGen allele CA3892086.
Genomic context (GRCh38, chr6:75,090,148, plus strand): 5'-TACAGAAGCCAGAAATGCCTACCTCGTTCCCCAGGGGGTCCCTGCATCCCTGGTGTGCCC[G>A]GGAAGCCTGGCCGCCCCCCAGGCCCAGGTTCTCCTCTGGCTCCTGCGCTACCAGGAGGTC-3'
Protein context (NP_004361.3, residues 2958-2978): EPGPGGRPGF[Pro2968Leu]GTPGMQGPPG

ClinVar aggregate classification (germline): Uncertain significance (1 of 4 stars; one submission).

Conditions:
Ullrich congenital muscular dystrophy 2 (UCMD2). Identifiers: Orphanet 75840, MedGen C4225314, MONDO:0014654, OMIM 616470.
Bethlem myopathy 2 (BTHLM2). Identifiers: Orphanet 536516, Orphanet 610, MedGen C4225313, MONDO:0034022, OMIM 616471.

Allele frequency attached by ClinVar (database versions not stated): TOPMed below 0.00001; gnomAD 0.00001; ExAC 0.00002; gnomAD exomes 0.00002.
gnomAD v4.1: 11 of 1,613,770 alleles (0.00068%); highest among the groups gnomAD compares: African/African-American, 0.0013%; no homozygotes.

Submission:

Labcorp Genetics (formerly Invitae), Labcorp
Classification: Uncertain significance for Bethlem myopathy 2; Ullrich congenital muscular dystrophy 2. Last evaluated: 2022-10-04. Review status: criteria provided, single submitter. Criteria: Invitae Variant Classification Sherloc (09022015). Collection method: clinical testing. Allele origin: germline.
Comment: This variant is present in population databases (rs771010070, gnomAD 0.004%). In summary, the available evidence is currently insufficient to determine the role of this variant in disease. Therefore, it has been classified as a Variant of Uncertain Significance. Algorithms developed to predict the effect of missense changes on protein structure and function are either unavailable or do not agree on the potential impact of this missense change (SIFT: "Deleterious"; PolyPhen-2: "Probably Damaging"; Align-GVGD: "Class C0"). ClinVar contains an entry for this variant (Variation ID: 950748). This variant has not been reported in the literature in individuals affected with COL12A1-related conditions. This sequence change replaces proline, which is neutral and non-polar, with leucine, which is neutral and non-polar, at codon 2968 of the COL12A1 protein (p.Pro2968Leu).